The following is an entry in ClinVar:

NM_138694.4(PKHD1):c.4574del (p.Pro1525fs)

Genes: PKHD1 (PKHD1 ciliary IPT domain containing fibrocystin/polyductin; minus strand), LOC126859690 (MED14-independent group 3 enhancer GRCh37_chr6:51888848-51890047; plus strand). Cytogenetic location: 6p12.2.
Variant type: Deletion.
Coding change: c.4574del on transcript NM_138694.4 (MANE Select); coding-DNA position 4574, one base deleted (C; older notation c.4574delC).
Protein change: p.Pro1525fs; shifts the reading frame from proline 1525.
Molecular consequence: frameshift variant.
Genome position (GRCh38, 1-based): chr6:52,025,236, G deleted on the plus strand (C on the coding strand, the reverse complement: PKHD1 is on the minus strand); the first of 2 consecutive G bases (chr6:52,025,236-52,025,237); deleting either gives the same sequence. VCF-style (leftmost placement, unchanged base first): chr6-52025235-AG-A. GRCh37 (hg19) VCF-style: chr6-51890033-AG-A.
Other names: c.4574del, p.Pro1525fs (NM_170724.3); short protein forms P1525fs.
Identifiers: ClinVar variation 370691 (VCV000370691.7), dbSNP rs1057516691, ClinGen allele CA16041054.

ClinVar aggregate classification (germline): Pathogenic/Likely pathogenic. Review status: criteria provided, multiple submitters, no conflicts (2 of 4 stars). 3 submissions from 3 submitters: Pathogenic (1); Likely pathogenic (1). 1 of the submissions does not count toward it. Last evaluated 2025-12-12.

Conditions:
Polycystic kidney disease 4 (PKD4). Also called: POLYCYSTIC KIDNEY AND HEPATIC DISEASE 1; POLYCYSTIC KIDNEY DISEASE, INFANTILE, TYPE I; POLYCYSTIC KIDNEY DISEASE 4 WITH OR WITHOUT POLYCYSTIC LIVER DISEASE; PKD3; Autosomal Recessive Polycystic Kidney Disease – PKHD1. Identifiers: MedGen C4540575, MONDO:0033004, OMIM 263200.
Autosomal recessive polycystic kidney disease (ARPKD). Also called: AR polycystic kidney disease. Identifiers: Orphanet 731, Orphanet 8378, MedGen C0085548, MeSH D017044, MONDO:0009889.

Submissions (3):

Natera, Inc.
Classification: Likely pathogenic for Autosomal recessive polycystic kidney disease. Last evaluated: 2025-12-12. Review status: criteria provided, single submitter. Criteria: Natera Variant Classification Schema (03/2026). Collection method: clinical testing. Allele origin: germline.
Comment: The c.4574delC variant in PKHD1 is a frameshift variant predicted to shift the reading frame beginning at codon 1525 and leads to a stop codon 4 codons downstream. This variant is expected to result in nonsense mediated decay, truncation, or a dysfunctional protein product. This variant is rare in the general population with a frequency below the threshold expected for the associated phenotype(s). Given the available evidence, this variant is classified as Likely Pathogenic.

Labcorp Genetics (formerly Invitae), Labcorp
Classification: Pathogenic for Autosomal recessive polycystic kidney disease. Last evaluated: 2023-11-10. Review status: criteria provided, single submitter. Criteria: Invitae Variant Classification Sherloc (09022015). Collection method: clinical testing. Allele origin: germline.
Comment: This sequence change creates a premature translational stop signal (p.Pro1525Leufs*4) in the PKHD1 gene. It is expected to result in an absent or disrupted protein product. Loss-of-function variants in PKHD1 are known to be pathogenic (PMID: 19940839). This variant is not present in population databases (gnomAD no frequency). This variant has not been reported in the literature in individuals affected with PKHD1-related conditions. ClinVar contains an entry for this variant (Variation ID: 370691). For these reasons, this variant has been classified as Pathogenic.

Counsyl
Classification: Likely pathogenic for Polycystic kidney disease 4. Last evaluated: 2016-03-22. Review status: no assertion criteria provided. Collection method: clinical testing. Allele origin: unknown. Not counted in ClinVar's aggregate classification.

Literature cited by the submitters: PubMed 19940839 (cited by Labcorp Genetics (formerly Invitae), Labcorp).